The following is an entry in ClinVar:

ClinVar aggregate classification (germline): Uncertain significance (1 of 4 stars; one submission).

Conditions:
Hyperekplexia 3 (HKPX3). Also called: HYPEREKPLEXIA 3, AUTOSOMAL RECESSIVE; HYPEREKPLEXIA 3, AUTOSOMAL DOMINANT. Identifiers: Orphanet 3197, MedGen C3553288, MONDO:0013827, OMIM 614618.

Allele frequency attached by ClinVar (database versions not stated): gnomAD exomes below 0.00001 and 0.00002; ExAC 0.00002; TOPMed 0.00003; gnomAD 0.00005 and 0.00006; ESP Exome Variant Server 0.00008.
gnomAD v4.1: 12 of 1,614,022 alleles (0.00074%); highest among the groups gnomAD compares: African/African-American, 0.015%; no homozygotes.

Submission:

Labcorp Genetics (formerly Invitae), Labcorp
Classification: Uncertain significance for Hyperekplexia 3. Last evaluated: 2022-04-01. Review status: criteria provided, single submitter. Criteria: Invitae Variant Classification Sherloc (09022015). Collection method: clinical testing. Allele origin: germline.
Comment: This sequence change replaces histidine, which is basic and polar, with glutamine, which is neutral and polar, at codon 738 of the SLC6A5 protein (p.His738Gln). This variant is present in population databases (rs376060015, gnomAD 0.03%). This variant has not been reported in the literature in individuals affected with SLC6A5-related conditions. ClinVar contains an entry for this variant (Variation ID: 304037). Advanced modeling of protein sequence and biophysical properties (such as structural, functional, and spatial information, amino acid conservation, physicochemical variation, residue mobility, and thermodynamic stability) performed at Invitae indicates that this missense variant is not expected to disrupt SLC6A5 protein function. In summary, the available evidence is currently insufficient to determine the role of this variant in disease. Therefore, it has been classified as a Variant of Uncertain Significance.

NM_004211.5(SLC6A5):c.2214T>A (p.His738Gln)

Gene: SLC6A5 (solute carrier family 6 member 5; plus strand). Cytogenetic location: 11p15.1.
Variant type: single nucleotide variant.
Coding change: c.2214T>A on transcript NM_004211.5 (MANE Select); coding-DNA position 2214, T replaced by A.
Protein change: p.His738Gln; replaces histidine 738 with glutamine.
Molecular consequence: missense variant.
Genome position (GRCh38, 1-based): chr11:20,652,432, T>A. VCF-style: chr11-20652432-T-A. GRCh37 (hg19) VCF-style: chr11-20673978-T-A.
Other names: c.1512T>A, p.His504Gln (NM_001318369.2); short protein forms H738Q, H504Q.
Identifiers: ClinVar variation 304037 (VCV000304037.6), dbSNP rs376060015, ClinGen allele CA5921722.